The following is an entry in ClinVar:

ClinVar aggregate classification (germline): Likely pathogenic (1 of 4 stars; one submission).

Conditions:
Danon disease. Also called: ANTOPOL DISEASE; PSEUDOGLYCOGENOSIS II; GSD IIb; LYSOSOMAL GLYCOGEN STORAGE DISEASE WITHOUT ACID MALTASE DEFICIENCY; Glycogen Storage Disease Type IIb. Identifiers: Orphanet 34587, MedGen C0878677, MONDO:0010281, OMIM 300257.
Hypertrophic cardiomyopathy. Also called: HYPERTROPHIC MYOCARDIOPATHY. Identifiers: Orphanet 217569, MedGen C0007194, MeSH D002312, MONDO:0005045, HP:0001639.

Submission:

Laboratory for Molecular Medicine, Mass General Brigham Personalized Medicine
Classification: Likely pathogenic for Hypertrophic cardiomyopathy; Danon disease. Last evaluated: 2015-11-19. Review status: criteria provided, single submitter. Criteria: LMM Criteria. Collection method: clinical testing. Allele origin: germline. Observed: 1 variant allele.
Comment: The c.(?_398-60)_(741+68_?)del variant in LAMP2 has not been previously reported in individuals with cardiomyopathy or Danon disease. This variant results in a deletion encompassing exons 4 and 5, which is predicted to lead to a truncated o r absent protein. Large deletions encompassing one or more exons have been ident ified in multiple cases of Danon disease (Yang 2010, Boucek 2011) and loss-of-fu nction is an established disease mechanism. In summary, although additional stud ies are required to fully establish its clinical significance, the c.(?_398-60)_ (741+68_?)del variant is likely pathogenic.

Literature cited by the submitters: PubMed 21415759; PubMed 20173215.

NC_000023.11:g.(?_120447773)_(120449188_?)del

Gene: LAMP2 (lysosome associated membrane protein 2; minus strand). Cytogenetic location: Xq24.
Variant type: Deletion.
Other names: c.(?_398-60)_(741+68_?)del (LRG_749t1).
Identifiers: ClinVar variation 228268 (VCV000228268.4).